The following is an entry in ClinVar:

ClinVar aggregate classification (germline): Uncertain significance (1 of 4 stars; one submission).

Conditions:
Hereditary cancer-predisposing syndrome. Also called: Neoplastic Syndromes, Hereditary; Tumor predisposition; Hereditary Cancer Syndrome; Hereditary neoplastic syndrome. Identifiers: Orphanet 140162, MedGen C0027672, MeSH D009386, MONDO:0015356.

Submission:

Ambry Genetics
Classification: Uncertain significance for Hereditary cancer-predisposing syndrome. Last evaluated: 2024-11-14. Review status: criteria provided, single submitter. Criteria: Ambry Variant Classification Scheme 2023. Collection method: clinical testing. Allele origin: germline.
Comment: The c.-3T>G variant is located in the 5' untranslated region (5&rsquo; UTR) of the POT1 gene. This variant results from a T to G substitution 3 bases upstream from the first translated codon. This nucleotide position is not well conserved in available vertebrate species. Based on the available evidence, the clinical significance of this variant remains unclear.

NM_015450.3(POT1):c.-3T>G

Gene: POT1 (protection of telomeres 1; minus strand). Cytogenetic location: 7q31.33.
Variant type: single nucleotide variant.
Coding change: c.-3T>G on transcript NM_015450.3 (MANE Select); 3 bases upstream of the start codon, T replaced by G.
Molecular consequence: 5 prime UTR variant. On other transcripts: non-coding transcript variant (3).
Genome position (GRCh38, 1-based): chr7:124,897,176, A>C on the plus strand (T>G on the coding strand, the complement: POT1 is on the minus strand). VCF-style: chr7-124897176-A-C. GRCh37 (hg19) VCF-style: chr7-124537230-A-C.
Other names: c.-265T>G (NM_001042594.2).
Identifiers: ClinVar variation 3423140 (VCV003423140.1).